The following is an entry in ClinVar:

NM_014314.4(RIGI):c.2680G>C (p.Val894Leu)

Gene: RIGI (RNA sensor RIG-I; minus strand). Cytogenetic location: 9p21.1.
Variant type: single nucleotide variant.
Coding change: c.2680G>C on transcript NM_014314.4 (MANE Select); coding-DNA position 2680, G replaced by C.
Protein change: p.Val894Leu; replaces valine 894 with leucine.
Molecular consequence: missense variant.
Genome position (GRCh38, 1-based): chr9:32,457,220, C>G on the plus strand (G>C on the coding strand, the complement: RIGI is on the minus strand). VCF-style: chr9-32457220-C-G. GRCh37 (hg19) VCF-style: chr9-32457218-C-G.
Other names: c.2674G>C, p.Val892Leu (NM_001385907.1); c.2509G>C, p.Val837Leu (NM_001385909.1); c.2239G>C, p.Val747Leu (NM_001385910.1); c.2071G>C, p.Val691Leu (NM_001385912.1); c.2665G>C, p.Val889Leu (NM_001385913.1); c.2236G>C, p.Val746Leu (NM_001385914.1); short protein forms V691L, V889L, V892L, V746L, V747L, V837L, V894L.
Identifiers: ClinVar variation 4743823 (VCV004743823.1).
Genomic context (GRCh38, chr9:32,457,220, plus strand): 5'-CAAAATGAAAGTCCTTCCACTTCGAGTACAGTGTCTGAACTCCAGTTGCAATATCCTCCA[C>G]CACAAAACTTTCAATTTTTATAACTGGAATCTCAAATGTCTTGTACTTCACATGGATTCC-3'
Protein context (NP_055129.2, residues 884-904): IPVIKIESFV[Val894Leu]EDIATGVQTL

ClinVar aggregate classification (germline): Uncertain significance (1 of 4 stars; one submission).

Submission:

Labcorp Genetics (formerly Invitae), Labcorp
Classification: Uncertain significance. Last evaluated: 2025-07-13. Review status: criteria provided, single submitter. Criteria: Invitae Variant Classification Sherloc (09022015). Collection method: clinical testing. Allele origin: germline.
Comment: This sequence change replaces valine, which is neutral and non-polar, with leucine, which is neutral and non-polar, at codon 894 of the DDX58 protein (p.Val894Leu). This variant is not present in population databases (gnomAD no frequency). This variant has not been reported in the literature in individuals affected with DDX58-related conditions. Invitae Evidence Modeling of protein sequence and biophysical properties (such as structural, functional, and spatial information, amino acid conservation, physicochemical variation, residue mobility, and thermodynamic stability) indicates that this missense variant is not expected to disrupt DDX58 protein function with a negative predictive value of 80%. In summary, the available evidence is currently insufficient to determine the role of this variant in disease. Therefore, it has been classified as a Variant of Uncertain Significance.